The following is an entry in ClinVar:

NM_014339.7(IL17RA):c.551-3_551-2del

Gene: IL17RA (interleukin 17 receptor A; plus strand). Cytogenetic location: 22q11.1.
Variant type: Deletion.
Coding change: c.551-3_551-2del on transcript NM_014339.7 (MANE Select); 3 bases into the intron before coding-DNA position 551 through the canonical splice acceptor site of the intron before coding-DNA position 551, 2 bases deleted (CA; older notation c.551-3_551-2delCA).
Molecular consequence: splice acceptor variant.
Genome position (GRCh38, 1-based): chr22:17,101,993-17,101,994, CA deleted; deleting any 2 consecutive bases within chr22:17,101,992-17,101,994 gives the same sequence; the c. name uses the placement nearest the transcript's 3' end. VCF-style (leftmost placement, unchanged base first): chr22-17101991-GAC-G. GRCh37 (hg19) VCF-style: chr22-17582881-GAC-G.
Other names: c.551-3_551-2del (NM_001289905.2).
Identifiers: ClinVar variation 4720810 (VCV004720810.1).

ClinVar aggregate classification (germline): Uncertain significance (1 of 4 stars; one submission).

Conditions:
Immunodeficiency 51 (IMD51). Also called: CANDIDIASIS, FAMILIAL, 5. Identifiers: Orphanet 1334, MedGen C4310803, MONDO:0013500, OMIM 613953.

Submission:

Labcorp Genetics (formerly Invitae), Labcorp
Classification: Uncertain significance for Immunodeficiency 51. Last evaluated: 2025-05-22. Review status: criteria provided, single submitter. Criteria: Invitae Variant Classification Sherloc (09022015). Collection method: clinical testing. Allele origin: germline.
Comment: This sequence change falls in intron 5 of the IL17RA gene. It does not directly change the encoded amino acid sequence of the IL17RA protein. It affects a nucleotide within the consensus splice site. This variant is present in population databases (no rsID available, gnomAD no frequency). This variant has not been reported in the literature in individuals affected with IL17RA-related conditions. Variants that disrupt the consensus splice site are a relatively common cause of aberrant splicing (PMID: 17576681, 9536098). Algorithms developed to predict the effect of sequence changes on RNA splicing suggest that this variant may disrupt the consensus splice site. In summary, the available evidence is currently insufficient to determine the role of this variant in disease. Therefore, it has been classified as a Variant of Uncertain Significance.

Literature cited by the submitters: PubMed 17576681; PubMed 9536098.